The following is an entry in ClinVar:

ClinVar aggregate classification (germline): Conflicting classifications of pathogenicity. Review status: criteria provided, conflicting classifications (1 of 4 stars). 11 submissions from 11 submitters: Uncertain significance (1); Benign (4); Likely benign (5). 1 of the submissions does not count toward it. Last evaluated 2026-04-21.

Conditions:
TSC1-related disorder. Also called: TSC1-related condition.
Hereditary cancer-predisposing syndrome. Also called: Hereditary Cancer Syndrome; Neoplastic Syndromes, Hereditary; Hereditary neoplastic syndrome; Tumor predisposition. Identifiers: Orphanet 140162, MedGen C0027672, MeSH D009386, MONDO:0015356.
Tuberous sclerosis syndrome (TSC). Also called: Tuberous Sclerosis Complex; Tuberous sclerosis. Identifiers: Orphanet 805, MedGen C0041341, MONDO:0001734.
Tuberous sclerosis 1 (TSC1). Identifiers: Orphanet 805, MedGen C1854465, MONDO:0008612, OMIM 191100.

Submissions (11):

PreventionGenetics, part of Exact Sciences
Classification: Likely benign for TSC1-related condition. Last evaluated: 2026-04-21. Review status: criteria provided, single submitter. Criteria: ACMG Guidelines, 2015. Collection method: clinical testing. Allele origin: germline.
Comment: This variant is classified as likely benign based on ACMG/AMP sequence variant interpretation guidelines (Richards et al. 2015 PMID: 25741868, with internal and published modifications).

Labcorp Genetics (formerly Invitae), Labcorp
Classification: Benign for Tuberous sclerosis 1. Last evaluated: 2025-10-22. Review status: criteria provided, single submitter. Criteria: Invitae Variant Classification Sherloc (09022015). Collection method: clinical testing. Allele origin: germline.

Women's Health and Genetics/Laboratory Corporation of America, LabCorp
Classification: Uncertain significance. Last evaluated: 2025-07-07. Review status: criteria provided, single submitter. Criteria: LabCorp Variant Classification Summary - May 2015. Collection method: clinical testing. Allele origin: germline.
Comment: Variant summary: TSC1 c.915G>A (p.Gly305Gly) alters a conserved nucleotide located close to a canonical splice site and therefore could affect mRNA splicing, leading to a significantly altered protein sequence. Consensus agreement among computation tools predict no significant impact on normal splicing. However, these predictions have yet to be confirmed by functional studies. The variant allele was found at a frequency of 1.9e-05 in 1530188 control chromosomes, predominantly at a frequency of 2.2e-05 within the Non-Finnish European subpopulation in the gnomAD database. This frequency is very similar to the maximum expected pathogenic allele frequency for TSC1 (2.5e-05 vs 2.2e-05), suggesting a benign role for this variant. To our knowledge, no occurrence of c.915G>A in individuals affected with Tuberous Sclerosis Complex and no experimental evidence demonstrating its impact on protein function have been reported. ClinVar contains an entry for this variant (Variation ID: 64747). Based on the evidence outlined above, the variant was classified as uncertain significance.

Myriad Genetics, Inc.
Classification: Benign for Tuberous sclerosis 1. Last evaluated: 2025-04-09. Review status: criteria provided, single submitter. Criteria: Myriad Autosomal Dominant, Autosomal Recessive and X-Linked Classification Criteria (2023). Collection method: clinical testing. Allele origin: unknown.
Comment: This variant is considered benign. This variant is a silent/synonymous amino acid change and it is not expected to impact splicing.

KCCC/NGS Laboratory, Kuwait Cancer Control Center
Classification: Benign for Tuberous sclerosis 1. Last evaluated: 2025-02-01. Review status: criteria provided, single submitter. Criteria: ACMG Guidelines, 2015. Collection method: clinical testing. Allele origin: germline. Affected: no.

All of Us Research Program, National Institutes of Health
Classification: Likely benign for Tuberous sclerosis syndrome. Last evaluated: 2024-02-05. Review status: criteria provided, single submitter. Criteria: ACMG Guidelines, 2015. Collection method: clinical testing. Allele origin: germline. Inheritance: Autosomal dominant inheritance. Observed: 7 variant alleles, 7 heterozygotes.
Comment: This study involves interpretation of variants in research participants for the purpose of population health screening. Participant phenotype was not available at the time of variant classification. Additional details can be found in publication PMID: 35346344, PMCID: PMC8962531

Color Diagnostics, LLC DBA Color Health
Classification: Likely benign for Tuberous sclerosis syndrome. Last evaluated: 2022-05-26. Review status: criteria provided, single submitter. Criteria: ACMG Guidelines, 2015. Collection method: clinical testing. Allele origin: germline.

Genome-Nilou Lab
Classification: Benign for Tuberous sclerosis 1. Last evaluated: 2021-11-07. Review status: criteria provided, single submitter. Criteria: ACMG Guidelines, 2015. Collection method: clinical testing. Allele origin: germline. Affected: no.

Ambry Genetics
Classification: Likely benign for Hereditary cancer-predisposing syndrome. Last evaluated: 2019-09-30. Review status: criteria provided, single submitter. Criteria: Ambry Variant Classification Scheme 2023. Collection method: clinical testing. Allele origin: germline.

GeneDx
Classification: Likely benign. Last evaluated: 2019-05-10. Review status: criteria provided, single submitter. Criteria: GeneDx Variant Classification Process June 2021. Collection method: clinical testing. Allele origin: germline. Affected: yes.

Tuberous sclerosis database (TSC1)
No classification provided. Condition: TSC. Review status: no classification provided. Criteria: Tuberous Sclerosis Database Assertion Criteria 2015. Collection method: curation. Allele origin: germline. Affected: yes. Not counted in ClinVar's aggregate classification.

NM_000368.5(TSC1):c.915G>A (p.Gly305=)

Gene: TSC1 (TSC complex subunit 1; minus strand). Cytogenetic location: 9q34.13.
Variant type: single nucleotide variant.
Coding change: c.915G>A on transcript NM_000368.5 (MANE Select); coding-DNA position 915, G replaced by A.
Protein change: p.Gly305=; no amino-acid change (glycine 305 retained).
Molecular consequence: synonymous variant.
Genome position (GRCh38, 1-based): chr9:132,911,567, C>T on the plus strand (G>A on the coding strand, the complement: TSC1 is on the minus strand). VCF-style: chr9-132911567-C-T. GRCh37 (hg19) VCF-style: chr9-135786954-C-T.
Other names: c.915G>A, p.Gly305= (NM_001162426.2); c.762G>A, p.Gly254= (NM_001162427.2); c.552G>A, p.Gly184= (NM_001362177.2).
Identifiers: ClinVar variation 64747 (VCV000064747.24), dbSNP rs397515293, ClinGen allele CA008416.